The following is an entry in ClinVar:

ClinVar aggregate classification (germline): Conflicting classifications of pathogenicity. Review status: criteria provided, conflicting classifications (1 of 4 stars). 2 submissions from 2 submitters: Uncertain significance (1); Likely benign (1). Last evaluated 2026-01-06.

Conditions:
ZFYVE19-related disorder. Also called: ZFYVE19-related condition.

gnomAD v4.1: 418 of 1,613,194 alleles (0.026%); highest among the groups gnomAD compares: African/African-American, 0.51%; no homozygotes.

Submissions (2):

PreventionGenetics, part of Exact Sciences
Classification: Likely benign for ZFYVE19-related condition. Last evaluated: 2026-01-06. Review status: criteria provided, single submitter. Criteria: ACMG Guidelines, 2015. Collection method: clinical testing. Allele origin: germline.
Comment: This variant is classified as likely benign based on ACMG/AMP sequence variant interpretation guidelines (Richards et al. 2015 PMID: 25741868, with internal and published modifications).

Ambry Genetics
Classification: Uncertain significance. Last evaluated: 2025-08-05. Review status: criteria provided, single submitter. Criteria: Ambry Variant Classification Scheme 2023. Collection method: clinical testing. Allele origin: germline.

NM_001077268.2(ZFYVE19):c.40C>T (p.Pro14Ser)

Gene: ZFYVE19 (zinc finger FYVE-type containing 19; plus strand). Cytogenetic location: 15q15.1.
Variant type: single nucleotide variant.
Coding change: c.40C>T on transcript NM_001077268.2 (MANE Select); coding-DNA position 40, C replaced by T.
Protein change: p.Pro14Ser; replaces proline 14 with serine.
Molecular consequence: missense variant. On other transcripts: 5 prime UTR variant (1), intron variant (1).
Genome position (GRCh38, 1-based): chr15:40,807,629, C>T. VCF-style: chr15-40807629-C-T. GRCh37 (hg19) VCF-style: chr15-41099827-C-T.
Other names: c.40C>T, p.Pro14Ser (NM_001258420.2); c.-289C>T (NM_001258421.2); c.125+216C>T (NM_032850.5); short protein forms P14S.
Identifiers: ClinVar variation 4205657 (VCV004205657.2).